The following is an entry in ClinVar:

ClinVar aggregate classification (germline): Uncertain significance. Review status: criteria provided, multiple submitters, no conflicts (2 of 4 stars). 4 submissions from 4 submitters: Uncertain significance (3). 1 of the submissions does not count toward it. Last evaluated 2024-04-12.

Conditions:
DYRK1A-related intellectual disability syndrome (MRD7). Also called: DYRK1A Syndrome; Intellectual developmental disorder, autosomal dominant 7. Identifiers: Orphanet 464306, MedGen C5568143, MONDO:0013578, OMIM 614104.
DYRK1A-related disorder.
Inborn genetic diseases. Identifiers: MedGen C0950123, MeSH D030342.

Allele frequency attached by ClinVar (database versions not stated): gnomAD exomes below 0.00001; TOPMed 0.00002; gnomAD 0.00003.
gnomAD v4.1: 7 of 1,611,372 alleles (0.00043%); highest among the groups gnomAD compares: African/African-American, 0.0067%; no homozygotes.

Submissions (4):

GeneDx
Classification: Uncertain significance. Last evaluated: 2024-04-12. Review status: criteria provided, single submitter. Criteria: GeneDx Variant Classification Process June 2021. Collection method: clinical testing. Allele origin: germline. Affected: yes.
Comment: In silico analysis supports that this missense variant has a deleterious effect on protein structure/function; Has not been previously published as pathogenic or benign to our knowledge

Labcorp Genetics (formerly Invitae), Labcorp
Classification: Uncertain significance for DYRK1A-related intellectual disability syndrome. Last evaluated: 2023-10-17. Review status: criteria provided, single submitter. Criteria: Invitae Variant Classification Sherloc (09022015). Collection method: clinical testing. Allele origin: germline.
Comment: This sequence change replaces aspartic acid, which is acidic and polar, with asparagine, which is neutral and polar, at codon 126 of the DYRK1A protein (p.Asp126Asn). This variant is not present in population databases (gnomAD no frequency). This variant has not been reported in the literature in individuals affected with DYRK1A-related conditions. ClinVar contains an entry for this variant (Variation ID: 1055370). Advanced modeling of protein sequence and biophysical properties (such as structural, functional, and spatial information, amino acid conservation, physicochemical variation, residue mobility, and thermodynamic stability) has been performed at Invitae for this missense variant, however the output from this modeling did not meet the statistical confidence thresholds required to predict the impact of this variant on DYRK1A protein function. In summary, the available evidence is currently insufficient to determine the role of this variant in disease. Therefore, it has been classified as a Variant of Uncertain Significance.

Ambry Genetics
Classification: Uncertain significance for Inborn genetic diseases. Last evaluated: 2023-01-23. Review status: criteria provided, single submitter. Criteria: Ambry Variant Classification Scheme 2023. Collection method: clinical testing. Allele origin: germline.

PreventionGenetics, part of Exact Sciences
Classification: Uncertain significance for DYRK1A-related condition. Last evaluated: 2024-05-10. Review status: no assertion criteria provided. Collection method: clinical testing. Allele origin: germline. Not counted in ClinVar's aggregate classification.
Comment: The DYRK1A c.376G>A variant is predicted to result in the amino acid substitution p.Asp126Asn. To our knowledge, this variant has not been reported in the literature or in a large population database, indicating this variant is rare. At this time, the clinical significance of this variant is uncertain due to the absence of conclusive functional and genetic evidence.

NM_001347721.2(DYRK1A):c.349G>A (p.Asp117Asn)

Gene: DYRK1A (dual specificity tyrosine phosphorylation regulated kinase 1A; plus strand). Cytogenetic location: 21q22.13.
Variant type: single nucleotide variant.
Coding change: c.349G>A on transcript NM_001347721.2 (MANE Select); coding-DNA position 349, G replaced by A.
Protein change: p.Asp117Asn; replaces aspartic acid 117 with asparagine.
Molecular consequence: missense variant.
Genome position (GRCh38, 1-based): chr21:37,480,686, G>A. VCF-style: chr21-37480686-G-A. GRCh37 (hg19) VCF-style: chr21-38852988-G-A.
Other names: c.349G>A, p.Asp117Asn (NM_001347722.2, NM_130436.2); c.262G>A, p.Asp88Asn (NM_001347723.2); c.376G>A, p.Asp126Asn (NM_001396.5, NM_101395.2, NM_130438.2); c.376G>A (NM_001396.4); short protein forms D117N, D126N, D88N.
Identifiers: ClinVar variation 1055370 (VCV001055370.17), dbSNP rs959419590, ClinGen allele CA320476816.